The following is an entry in ClinVar:

NM_198859.4(PRICKLE2):c.923G>A (p.Arg308Gln)

Gene: PRICKLE2 (prickle planar cell polarity protein 2; minus strand). Cytogenetic location: 3p14.1.
Variant type: single nucleotide variant.
Coding change: c.923G>A on transcript NM_198859.4 (MANE Select); coding-DNA position 923, G replaced by A.
Protein change: p.Arg308Gln; replaces arginine 308 with glutamine.
Molecular consequence: missense variant.
Genome position (GRCh38, 1-based): chr3:64,147,567, C>T on the plus strand (G>A on the coding strand, the complement: PRICKLE2 is on the minus strand). VCF-style: chr3-64147567-C-T. GRCh37 (hg19) VCF-style: chr3-64133243-C-T.
Other names: c.923G>A, p.Arg308Gln (NM_001370528.1); short protein forms R308Q.
Identifiers: ClinVar variation 1023519 (VCV001023519.5), dbSNP rs150386533, ClinGen allele CA2479717.

ClinVar aggregate classification (germline): Uncertain significance (1 of 4 stars; one submission).

Conditions:
Progressive myoclonic epilepsy type 5. Identifiers: Orphanet 402082, MedGen C5190799.

Allele frequency attached by ClinVar (database versions not stated): gnomAD 0.00002; ExAC 0.00005; TOPMed 0.00005; gnomAD exomes 0.00007; ESP Exome Variant Server 0.00015.
gnomAD v4.1: 171 of 1,614,106 alleles (0.011%); highest among the groups gnomAD compares: Non-Finnish European, 0.014%; no homozygotes.

Submission:

Labcorp Genetics (formerly Invitae), Labcorp
Classification: Uncertain significance for Progressive myoclonic epilepsy type 5. Last evaluated: 2025-03-23. Review status: criteria provided, single submitter. Criteria: Invitae Variant Classification Sherloc (09022015). Collection method: clinical testing. Allele origin: germline.
Comment: This sequence change replaces arginine, which is basic and polar, with glutamine, which is neutral and polar, at codon 308 of the PRICKLE2 protein (p.Arg308Gln). This variant is present in population databases (rs150386533, gnomAD 0.01%). This variant has not been reported in the literature in individuals affected with PRICKLE2-related conditions. ClinVar contains an entry for this variant (Variation ID: 1023519). Invitae Evidence Modeling of protein sequence and biophysical properties (such as structural, functional, and spatial information, amino acid conservation, physicochemical variation, residue mobility, and thermodynamic stability) indicates that this missense variant is expected to disrupt PRICKLE2 protein function with a positive predictive value of 80%. In summary, the available evidence is currently insufficient to determine the role of this variant in disease. Therefore, it has been classified as a Variant of Uncertain Significance.